The following is an entry in ClinVar:

NM_000268.4(NF2):c.1524C>A (p.Asp508Glu)

Gene: NF2 (NF2, moesin-ezrin-radixin like (MERLIN) tumor suppressor; plus strand). Cytogenetic location: 22q12.2.
Variant type: single nucleotide variant.
Coding change: c.1524C>A on transcript NM_000268.4 (MANE Select); coding-DNA position 1524, C replaced by A.
Protein change: p.Asp508Glu; replaces aspartic acid 508 with glutamic acid.
Molecular consequence: missense variant. On other transcripts: non-coding transcript variant (1), intron variant (1).
Genome position (GRCh38, 1-based): chr22:29,678,273, C>A. VCF-style: chr22-29678273-C-A. GRCh37 (hg19) VCF-style: chr22-30074262-C-A.
Other names: c.1410C>A, p.Asp470Glu (NM_001407053.1, NM_001407056.1); c.1401C>A, p.Asp467Glu (NM_001407054.1, NM_001407058.1, NM_181829.3); c.1398C>A, p.Asp466Glu (NM_001407055.1, NM_181828.3); c.1389C>A, p.Asp463Glu (NM_001407057.1, NM_001407059.1); c.1524C>A, p.Asp508Glu (NM_001407060.1, NM_001407066.1, NM_016418.5 and 2 more transcripts); c.1266C>A, p.Asp422Glu (NM_001407062.1); c.1275C>A, p.Asp425Glu (NM_001407063.1, NM_001407064.1, NM_181830.3 and 1 more transcripts); c.990C>A, p.Asp330Glu (NM_001407065.1); and 2 more; short protein forms D330E, D466E, D425E, D431E, D467E, D470E, D422E, D463E.
Identifiers: ClinVar variation 3675504 (VCV003675504.2).

ClinVar aggregate classification (germline): Uncertain significance (1 of 4 stars; one submission).

Conditions:
Neurofibromatosis, type 2 (SWNV). Also called: BILATERAL ACOUSTIC NEUROFIBROMATOSIS; SCHWANNOMATOSIS, VESTIBULAR; NF2-Related Schwannomatosis. Identifiers: Orphanet 637, MedGen C0027832, MONDO:0007039, OMIM 101000. Disease mechanism: loss of function.

Submission:

Labcorp Genetics (formerly Invitae), Labcorp
Classification: Uncertain significance for Neurofibromatosis, type 2. Last evaluated: 2024-08-21. Review status: criteria provided, single submitter. Criteria: Invitae Variant Classification Sherloc (09022015). Collection method: clinical testing. Allele origin: germline.
Comment: This sequence change replaces aspartic acid, which is acidic and polar, with glutamic acid, which is acidic and polar, at codon 508 of the NF2 protein (p.Asp508Glu). This variant is not present in population databases (gnomAD no frequency). This variant has not been reported in the literature in individuals affected with NF2-related conditions. Invitae Evidence Modeling of protein sequence and biophysical properties (such as structural, functional, and spatial information, amino acid conservation, physicochemical variation, residue mobility, and thermodynamic stability) indicates that this missense variant is not expected to disrupt NF2 protein function with a negative predictive value of 80%. In summary, the available evidence is currently insufficient to determine the role of this variant in disease. Therefore, it has been classified as a Variant of Uncertain Significance.